The following is an entry in ClinVar:

ClinVar aggregate classification (germline): Uncertain significance (1 of 4 stars; one submission).

Submission:

Labcorp Genetics (formerly Invitae), Labcorp
Classification: Uncertain significance. Last evaluated: 2023-03-02. Review status: criteria provided, single submitter. Criteria: Invitae Variant Classification Sherloc (09022015). Collection method: clinical testing. Allele origin: germline.
Comment: In summary, the available evidence is currently insufficient to determine the role of this variant in disease. Therefore, it has been classified as a Variant of Uncertain Significance. An algorithm developed to predict the effect of missense changes on protein structure and function (PolyPhen-2) suggests that this variant is likely to be disruptive. This variant has not been reported in the literature in individuals affected with KCNJ1-related conditions. This variant is not present in population databases (gnomAD no frequency). This sequence change replaces tryptophan, which is neutral and slightly polar, with arginine, which is basic and polar, at codon 69 of the KCNJ1 protein (p.Trp69Arg).

NM_153766.3(KCNJ1):c.148T>A (p.Trp50Arg)

Gene: KCNJ1 (potassium inwardly rectifying channel subfamily J member 1; minus strand). Cytogenetic location: 11q24.3.
Variant type: single nucleotide variant.
Coding change: c.148T>A on transcript NM_153766.3 (MANE Select); coding-DNA position 148, T replaced by A.
Protein change: p.Trp50Arg; replaces tryptophan 50 with arginine.
Molecular consequence: missense variant.
Genome position (GRCh38, 1-based): chr11:128,840,096, A>T on the plus strand (T>A on the coding strand, the complement: KCNJ1 is on the minus strand). VCF-style: chr11-128840096-A-T. GRCh37 (hg19) VCF-style: chr11-128709991-A-T.
Other names: c.205T>A, p.Trp69Arg (NM_000220.6); c.148T>A, p.Trp50Arg (NM_153764.3, NM_153767.4); c.199T>A, p.Trp67Arg (NM_153765.3); short protein forms W50R, W67R, W69R.
Identifiers: ClinVar variation 2841982 (VCV002841982.3), dbSNP rs748697666, ClinGen allele CA383247101.